The following is an entry in ClinVar:

NM_001009944.3(PKD1):c.8597T>C (p.Leu2866Pro)

Gene: PKD1 (polycystin 1, transient receptor potential channel interacting; minus strand). Cytogenetic location: 16p13.3.
Variant type: single nucleotide variant.
Coding change: c.8597T>C on transcript NM_001009944.3 (MANE Select); coding-DNA position 8597, T replaced by C.
Protein change: p.Leu2866Pro; replaces leucine 2866 with proline.
Molecular consequence: missense variant.
Genome position (GRCh38, 1-based): chr16:2,103,460, A>G on the plus strand (T>C on the coding strand, the complement: PKD1 is on the minus strand). VCF-style: chr16-2103460-A-G. GRCh37 (hg19) VCF-style: chr16-2153461-A-G.
Other names: c.8597T>C, p.Leu2866Pro (NM_000296.4); short protein forms L2866P.
Identifiers: ClinVar variation 4847758 (VCV004847758.1).

ClinVar aggregate classification (germline): Likely pathogenic (1 of 4 stars; one submission).

Conditions:
Polycystic kidney disease, adult type (PKD1). Also called: Polycystic Kidney Disease 1, Autosomal Dominant; Polycystic kidney disease 1; Polycystic kidney disease 1, severe; POLYCYSTIC KIDNEY DISEASE 1 WITH OR WITHOUT POLYCYSTIC LIVER DISEASE; POLYCYSTIC KIDNEY DISEASE, ADULT, TYPE I; Polycystic Kidney, Autosomal Dominant. Identifiers: MedGen C3149841, MONDO:0008263, OMIM 173900.

Submission:

Women's Health and Genetics/Laboratory Corporation of America, LabCorp
Classification: Likely pathogenic for Polycystic kidney disease, adult type. Last evaluated: 2026-03-23. Review status: criteria provided, single submitter. Criteria: LabCorp Variant Classification Summary - May 2015. Collection method: clinical testing. Allele origin: germline.
Comment: Variant summary: PKD1 c.8597T>C (p.Leu2866Pro) results in a non-conservative amino acid change in the encoded protein sequence. Algorithms developed to predict the effect of missense changes on protein structure and function all suggest that this variant is likely to be disruptive. The variant was absent in 233900 control chromosomes. c.8597T>C has been observed in individuals affected with autosomal dominant Polycystic Kidney Disease (e.g. Rossetti_2007, Mansilla_2021). These data indicate that the variant may be associated with disease. To our knowledge, no experimental evidence demonstrating an impact on protein function has been reported. The following publications have been ascertained in the context of this evaluation (PMID: 31738409, 17582161). No submitters have cited clinical-significance assessments for this variant to ClinVar. Based on the evidence outlined above, the variant was classified as likely pathogenic.

Literature cited by the submitters: PubMed 31738409; PubMed 17582161.